The following is an entry in ClinVar:

NM_001018115.3(FANCD2):c.3605A>G (p.Glu1202Gly)

Genes: FANCD2 (FA complementation group D2; plus strand), FANCD2OS (FANCD2 opposite strand; minus strand). Cytogenetic location: 3p25.3.
Variant type: single nucleotide variant.
Coding change: c.3605A>G on transcript NM_001018115.3 (MANE Select); coding-DNA position 3605, A replaced by G.
Protein change: p.Glu1202Gly; replaces glutamic acid 1202 with glycine.
Molecular consequence: missense variant. On other transcripts: intron variant (1).
Genome position (GRCh38, 1-based): chr3:10,088,872, A>G. VCF-style: chr3-10088872-A-G. GRCh37 (hg19) VCF-style: chr3-10130556-A-G.
Other names: c.3605A>G, p.Glu1202Gly (NM_001319984.2, NM_001374254.1, NM_033084.6); c.3494A>G, p.Glu1165Gly (NM_001374253.1); c.*44-7341T>C (NM_173472.2); short protein forms E1165G, E1202G.
Identifiers: ClinVar variation 3698003 (VCV003698003.2).

ClinVar aggregate classification (germline): Uncertain significance (1 of 4 stars; one submission).

Conditions:
Fanconi anemia (FA). Also called: Fanconi's anemia. Identifiers: Orphanet 84, MedGen C0015625, MeSH D005199, MONDO:0019391.

gnomAD v4.1: 1 of 1,614,066 alleles (0.000062%); highest among the groups gnomAD compares: Non-Finnish European, 0.000085%; no homozygotes.

Submission:

Labcorp Genetics (formerly Invitae), Labcorp
Classification: Uncertain significance for Fanconi anemia. Last evaluated: 2024-10-07. Review status: criteria provided, single submitter. Criteria: Invitae Variant Classification Sherloc (09022015). Collection method: clinical testing. Allele origin: germline.
Comment: This sequence change replaces glutamic acid, which is acidic and polar, with glycine, which is neutral and non-polar, at codon 1202 of the FANCD2 protein (p.Glu1202Gly). This variant is not present in population databases (gnomAD no frequency). This variant has not been reported in the literature in individuals affected with FANCD2-related conditions. Invitae Evidence Modeling of protein sequence and biophysical properties (such as structural, functional, and spatial information, amino acid conservation, physicochemical variation, residue mobility, and thermodynamic stability) indicates that this missense variant is expected to disrupt FANCD2 protein function with a positive predictive value of 80%. In summary, the available evidence is currently insufficient to determine the role of this variant in disease. Therefore, it has been classified as a Variant of Uncertain Significance.